The following is an entry in ClinVar:

ClinVar aggregate classification (germline): Uncertain significance (1 of 4 stars; one submission).

Submission:

GeneDx
Classification: Uncertain significance. Last evaluated: 2025-11-05. Review status: criteria provided, single submitter. Criteria: GeneDx Variant Classification Process June 2021. Collection method: clinical testing. Allele origin: germline. Affected: yes.
Comment: Not observed at significant frequency in large population cohorts (gnomAD); In silico analysis supports that this missense variant has a deleterious effect on protein structure/function; This substitution is predicted to be within the transmembrane segment S2 of the second homologous domain; Has not been previously published as pathogenic or benign to our knowledge

NM_001330260.2(SCN8A):c.2387T>C (p.Phe796Ser)

Gene: SCN8A (sodium voltage-gated channel alpha subunit 8; plus strand). Cytogenetic location: 12q13.13.
Variant type: single nucleotide variant.
Coding change: c.2387T>C on transcript NM_001330260.2 (MANE Select); coding-DNA position 2387, T replaced by C.
Protein change: p.Phe796Ser; replaces phenylalanine 796 with serine.
Molecular consequence: missense variant.
Genome position (GRCh38, 1-based): chr12:51,762,519, T>C. VCF-style: chr12-51762519-T-C. GRCh37 (hg19) VCF-style: chr12-52156303-T-C.
Other names: c.2387T>C, p.Phe796Ser (NM_001177984.3, NM_001369788.1, NM_014191.4); short protein forms F796S.
Identifiers: ClinVar variation 451563 (VCV000451563.4), dbSNP rs1555225481, ClinGen allele CA384882967.